The following is an entry in ClinVar:

ClinVar aggregate classification (germline): Uncertain significance (1 of 4 stars; one submission).

Conditions:
Progressive familial heart block type IB (PFHB1B). Identifiers: Orphanet 871, MedGen C1970298, MONDO:0011474, OMIM 604559.

Submission:

Labcorp Genetics (formerly Invitae), Labcorp
Classification: Uncertain significance for Progressive familial heart block type 1B. Last evaluated: 2018-09-04. Review status: criteria provided, single submitter. Criteria: Invitae Variant Classification Sherloc (09022015). Collection method: clinical testing. Allele origin: germline.
Comment: This sequence change replaces leucine with proline at codon 1193 of the TRPM4 protein (p.Leu1193Pro). The leucine residue is highly conserved and there is a moderate physicochemical difference between leucine and proline. This variant is not present in population databases (ExAC no frequency). This variant has not been reported in the literature in individuals with TRPM4-related disease. Algorithms developed to predict the effect of missense changes on protein structure and function are either unavailable or do not agree on the potential impact of this missense change (SIFT: "Deleterious"; PolyPhen-2: "Probably Damaging"; Align-GVGD: "Class C0"). In summary, the available evidence is currently insufficient to determine the role of this variant in disease. Therefore, it has been classified as a Variant of Uncertain Significance.

NM_017636.4(TRPM4):c.3578T>C (p.Leu1193Pro)

Gene: TRPM4 (transient receptor potential cation channel subfamily M member 4; plus strand). Cytogenetic location: 19q13.33.
Variant type: single nucleotide variant.
Coding change: c.3578T>C on transcript NM_017636.4 (MANE Select); coding-DNA position 3578, T replaced by C.
Protein change: p.Leu1193Pro; replaces leucine 1193 with proline.
Molecular consequence: missense variant.
Genome position (GRCh38, 1-based): chr19:49,211,207, T>C. VCF-style: chr19-49211207-T-C. GRCh37 (hg19) VCF-style: chr19-49714464-T-C.
Other names: c.3233T>C, p.Leu1078Pro (NM_001321281.2); c.1970T>C, p.Leu657Pro (NM_001321282.2); c.3056T>C, p.Leu1019Pro (NM_001321283.2); c.2516T>C, p.Leu839Pro (NM_001321285.2); c.3143T>C, p.Leu1048Pro (NM_001195227.2); short protein forms L1078P, L1193P, L657P, L1019P, L1048P, L839P.
Identifiers: ClinVar variation 658426 (VCV000658426.1), dbSNP rs1299115763, ClinGen allele CA406773696.